The following is an entry in ClinVar:

ClinVar aggregate classification (germline): Uncertain significance (1 of 4 stars; one submission).

Conditions:
Ataxia-telangiectasia syndrome (AT). Also called: LOUIS-BAR SYNDROME; Cerebello-oculocutaneous telangiectasia; Immunodeficiency with ataxia telangiectasia; Ataxia-telangiectasia, complementation group D; AT, COMPLEMENTATION GROUP C; ATAXIA-TELANGIECTASIA, COMPLEMENTATION GROUP A. Identifiers: Orphanet 100, MedGen C0004135, MONDO:0008840, OMIM 208900.

Submission:

Labcorp Genetics (formerly Invitae), Labcorp
Classification: Uncertain significance for Ataxia-telangiectasia syndrome. Last evaluated: 2025-04-23. Review status: criteria provided, single submitter. Criteria: Invitae Variant Classification Sherloc (09022015). Collection method: clinical testing. Allele origin: germline.
Comment: This sequence change replaces aspartic acid, which is acidic and polar, with tyrosine, which is neutral and polar, at codon 2999 of the ATM protein (p.Asp2999Tyr). This variant is not present in population databases (gnomAD no frequency). This variant has not been reported in the literature in individuals affected with ATM-related conditions. Invitae Evidence Modeling of protein sequence and biophysical properties (such as structural, functional, and spatial information, amino acid conservation, physicochemical variation, residue mobility, and thermodynamic stability) indicates that this missense variant is not expected to disrupt ATM protein function with a negative predictive value of 95%. In summary, the available evidence is currently insufficient to determine the role of this variant in disease. Therefore, it has been classified as a Variant of Uncertain Significance.

NM_000051.4(ATM):c.8995G>T (p.Asp2999Tyr)

Genes: ATM (ATM serine/threonine kinase; plus strand), C11orf65 (chromosome 11 open reading frame 65; minus strand). Cytogenetic location: 11q22.3.
Variant type: single nucleotide variant.
Coding change: c.8995G>T on transcript NM_000051.4 (MANE Select); coding-DNA position 8995, G replaced by T.
Protein change: p.Asp2999Tyr; replaces aspartic acid 2999 with tyrosine.
Molecular consequence: missense variant. On other transcripts: intron variant (2).
Genome position (GRCh38, 1-based): chr11:108,365,332, G>T. VCF-style: chr11-108365332-G-T. GRCh37 (hg19) VCF-style: chr11-108236059-G-T.
Other names: c.8995G>T, p.Asp2999Tyr (NM_001351834.2); c.640+20588C>A (NM_001330368.2); c.694+20588C>A (NM_001351110.2); short protein forms D2999Y.
Identifiers: ClinVar variation 4804370 (VCV004804370.1).